The following is an entry in ClinVar:

NC_000007.13:g.(?_152345717)_(152373174_?)dup

Genes: XRCC2 (X-ray repair cross complementing 2; minus strand), LOC129999685 (ATAC-STARR-seq lymphoblastoid silent region 18835; plus strand). Cytogenetic location: 7q36.1.
Variant type: Duplication.
Identifiers: ClinVar variation 657910 (VCV000657910.2).

ClinVar aggregate classification (germline): Uncertain significance (1 of 4 stars; one submission).

Submission:

Labcorp Genetics (formerly Invitae), Labcorp
Classification: Uncertain significance. Last evaluated: 2019-04-03. Review status: criteria provided, single submitter. Criteria: Invitae Variant Classification Sherloc (09022015). Collection method: clinical testing. Allele origin: germline.
Comment: This variant results in a copy number gain of the genomic region encompassing the full coding sequence of the XRCC2 gene. The boundaries of this event are unknown as they extend beyond the assayed region for this gene and therefore may encompass additional genes. As the precise location of this event is unknown, it may be in tandem or it may be located elsewhere in the genome. This variant has not been reported in the literature in individuals with XRCC2-related conditions. In summary, the available evidence is currently insufficient to determine the role of this variant in disease. Therefore, it has been classified as a Variant of Uncertain Significance.